The following is an entry in ClinVar:

ClinVar aggregate classification (germline): Uncertain significance. Review status: criteria provided, multiple submitters, no conflicts (2 of 4 stars). 2 submissions from 2 submitters: Uncertain significance (2). Last evaluated 2023-12-22.

Conditions:
Inborn genetic diseases. Identifiers: MedGen C0950123, MeSH D030342.

Allele frequency attached by ClinVar (database versions not stated): ExAC 0.00002; gnomAD 0.00003; 1000 Genomes Project 30x 0.00016; 1000 Genomes Project 0.00020.
gnomAD v4.1: 23 of 1,614,240 alleles (0.0014%); highest among the groups gnomAD compares: East Asian, 0.0045%; no homozygotes.

Submissions (2):

Labcorp Genetics (formerly Invitae), Labcorp
Classification: Uncertain significance. Last evaluated: 2023-12-22. Review status: criteria provided, single submitter. Criteria: Invitae Variant Classification Sherloc (09022015). Collection method: clinical testing. Allele origin: germline.
Comment: This sequence change replaces threonine, which is neutral and polar, with methionine, which is neutral and non-polar, at codon 1232 of the ADCY5 protein (p.Thr1232Met). This variant is present in population databases (rs201599722, gnomAD 0.01%). This variant has not been reported in the literature in individuals affected with ADCY5-related conditions. ClinVar contains an entry for this variant (Variation ID: 1900009). Advanced modeling of protein sequence and biophysical properties (such as structural, functional, and spatial information, amino acid conservation, physicochemical variation, residue mobility, and thermodynamic stability) performed at Invitae indicates that this missense variant is not expected to disrupt ADCY5 protein function with a negative predictive value of 95%. In summary, the available evidence is currently insufficient to determine the role of this variant in disease. Therefore, it has been classified as a Variant of Uncertain Significance.

Ambry Genetics
Classification: Uncertain significance for Inborn genetic diseases. Last evaluated: 2023-06-29. Review status: criteria provided, single submitter. Criteria: Ambry Variant Classification Scheme 2023. Collection method: clinical testing. Allele origin: germline.

NM_183357.3(ADCY5):c.3695C>T (p.Thr1232Met)

Gene: ADCY5 (adenylate cyclase 5; minus strand). Cytogenetic location: 3q21.1.
Variant type: single nucleotide variant.
Coding change: c.3695C>T on transcript NM_183357.3 (MANE Select); coding-DNA position 3695, C replaced by T.
Protein change: p.Thr1232Met; replaces threonine 1232 with methionine.
Molecular consequence: missense variant.
Genome position (GRCh38, 1-based): chr3:123,284,699, G>A on the plus strand (C>T on the coding strand, the complement: ADCY5 is on the minus strand). VCF-style: chr3-123284699-G-A. GRCh37 (hg19) VCF-style: chr3-123003546-G-A.
Other names: c.3695C>T (NM_183357.2); c.2645C>T, p.Thr882Met (NM_001199642.1); c.3770C>T, p.Thr1257Met (NM_001378259.1); short protein forms T1257M, T882M, T1232M.
Identifiers: ClinVar variation 1900009 (VCV001900009.7), dbSNP rs201599722, ClinGen allele CA2576699.